The following is an entry in ClinVar:

NM_000051.4(ATM):c.8160T>A (p.Asp2720Glu)

Genes: ATM (ATM serine/threonine kinase; plus strand), C11orf65 (chromosome 11 open reading frame 65; minus strand). Cytogenetic location: 11q22.3.
Variant type: single nucleotide variant.
Coding change: c.8160T>A on transcript NM_000051.4 (MANE Select); coding-DNA position 8160, T replaced by A.
Protein change: p.Asp2720Glu; replaces aspartic acid 2720 with glutamic acid.
Molecular consequence: missense variant. On other transcripts: intron variant (2).
Genome position (GRCh38, 1-based): chr11:108,335,853, T>A. VCF-style: chr11-108335853-T-A. GRCh37 (hg19) VCF-style: chr11-108206580-T-A.
Other names: c.8160T>A, p.Asp2720Glu (NM_001351834.2); c.641-26782A>T (NM_001330368.2); c.695-561A>T (NM_001351110.2); short protein forms D2720E.
Identifiers: ClinVar variation 2814127 (VCV002814127.3), dbSNP rs2136691799, ClinGen allele CA382562471.

ClinVar aggregate classification (germline): Uncertain significance (1 of 4 stars; one submission).

Conditions:
Ataxia-telangiectasia syndrome (AT). Also called: LOUIS-BAR SYNDROME; Cerebello-oculocutaneous telangiectasia; Immunodeficiency with ataxia telangiectasia; Ataxia telangiectasia (A-T); Ataxia-telangiectasia, complementation group D; AT, COMPLEMENTATION GROUP C. Identifiers: Orphanet 100, MedGen C0004135, MONDO:0008840, OMIM 208900.

Submission:

Labcorp Genetics (formerly Invitae), Labcorp
Classification: Uncertain significance for Ataxia-telangiectasia syndrome. Last evaluated: 2023-02-22. Review status: criteria provided, single submitter. Criteria: Invitae Variant Classification Sherloc (09022015). Collection method: clinical testing. Allele origin: germline.
Comment: In summary, the available evidence is currently insufficient to determine the role of this variant in disease. Therefore, it has been classified as a Variant of Uncertain Significance. An algorithm developed to predict the effect of missense changes on protein structure and function (PolyPhen-2) suggests that this variant is likely to be disruptive. This variant has not been reported in the literature in individuals affected with ATM-related conditions. This variant is not present in population databases (gnomAD no frequency). This sequence change replaces aspartic acid, which is acidic and polar, with glutamic acid, which is acidic and polar, at codon 2720 of the ATM protein (p.Asp2720Glu).